The following is an entry in ClinVar:

ClinVar aggregate classification (germline): Uncertain significance (1 of 4 stars; one submission).

gnomAD v4.1: 1 of 1,602,168 alleles (0.000062%); highest among the groups gnomAD compares: Non-Finnish European, 0.000085%; no homozygotes.

Submission:

Women's Health and Genetics/Laboratory Corporation of America, LabCorp
Classification: Uncertain significance. Last evaluated: 2025-07-29. Review status: criteria provided, single submitter. Criteria: LabCorp Variant Classification Summary - May 2015. Collection method: clinical testing. Allele origin: germline.
Comment: Variant summary: MED13 c.5467G>C (p.Asp1823His) results in a non-conservative amino acid change in the encoded protein sequence. Algorithms developed to predict the effect of missense changes on protein structure and function all suggest that this variant is likely to be disruptive. The variant was absent in 246722 control chromosomes. The available data on variant occurrences in the general population are insufficient to allow any conclusion about variant significance. To our knowledge, no occurrence of c.5467G>C in individuals affected with Intellectual Developmental Disorder 61 and no experimental evidence demonstrating its impact on protein function have been reported. No submitters have cited clinical-significance assessments for this variant to ClinVar. Based on the evidence outlined above, the variant was classified as uncertain significance.

NM_005121.3(MED13):c.5467G>C (p.Asp1823His)

Gene: MED13 (mediator complex subunit 13; minus strand). Cytogenetic location: 17q23.2.
Variant type: single nucleotide variant.
Coding change: c.5467G>C on transcript NM_005121.3 (MANE Select); coding-DNA position 5467, G replaced by C.
Protein change: p.Asp1823His; replaces aspartic acid 1823 with histidine.
Molecular consequence: missense variant.
Genome position (GRCh38, 1-based): chr17:61,960,880, C>G on the plus strand (G>C on the coding strand, the complement: MED13 is on the minus strand). VCF-style: chr17-61960880-C-G. GRCh37 (hg19) VCF-style: chr17-60038241-C-G.
Other names: short protein forms D1823H.
Identifiers: ClinVar variation 4525991 (VCV004525991.1).
Genomic context (GRCh38, chr17:61,960,880, plus strand): 5'-AATGTTACAAATGGAATGATATGATATATTTAGGGAAATACAAATACCTATTTGGAACAT[C>G]GATGTTAATGATACAAGTTTCTAAAAGTTCTCCATATAGATCTGTGCAAGATGCAAGAAT-3'
Protein context (NP_005112.2, residues 1813-1833): ELLETCIINI[Asp1823His]VPNRARRKKS